The following is an entry in ClinVar:

ClinVar aggregate classification (germline): Likely pathogenic (1 of 4 stars; one submission).

Conditions:
Finnish congenital nephrotic syndrome (NPHS1). Also called: NEPHROTIC SYNDROME, TYPE 1. Identifiers: Orphanet 839, MedGen C0403399, MONDO:0009732, OMIM 256300.

Submission:

Myriad Genetics, Inc.
Classification: Likely pathogenic for Finnish congenital nephrotic syndrome. Last evaluated: 2021-12-30. Review status: criteria provided, single submitter. Criteria: Myriad Women's Health Autosomal Recessive and X-Linked Classification Criteria (2021). Collection method: clinical testing. Allele origin: unknown.
Comment: NM_004646.3(NPHS1):c.3329_3330delTC(V1110Efs*5) is expected to be pathogenic in the context of nephrotic syndrome, NPHS1-related. This variant is predicted to lead to an abnormal or absent protein product due to the creation of a premature termination codon in NPHS1, a gene where loss-of-function variants are known to be pathogenic. Please note: this variant was assessed in the context of healthy population screening.

NM_004646.4(NPHS1):c.3329_3330del (p.Val1110fs)

Gene: NPHS1 (NPHS1 adhesion molecule, nephrin; minus strand). Cytogenetic location: 19q13.12.
Variant type: Deletion.
Coding change: c.3329_3330del on transcript NM_004646.4 (MANE Select); coding-DNA positions 3329 to 3330, 2 bases deleted (TC; older notation c.3329_3330delTC).
Protein change: p.Val1110fs; shifts the reading frame from valine 1110.
Molecular consequence: frameshift variant.
Genome position (GRCh38, 1-based): chr19:35,831,353-35,831,354, GA deleted on the plus strand (TC on the coding strand, the reverse complement: NPHS1 is on the minus strand). VCF-style (leftmost placement, unchanged base first): chr19-35831352-TGA-T. GRCh37 (hg19) VCF-style: chr19-36322254-TGA-T.
Other names: short protein forms V1110fs.
Identifiers: ClinVar variation 1726700 (VCV001726700.2), dbSNP rs2513755593, ClinGen allele CA2580096878.